The following is an entry in ClinVar:

NM_152564.5(VPS13B):c.8647G>T (p.Ala2883Ser)

Gene: VPS13B (vacuolar protein sorting 13 homolog B; plus strand). Cytogenetic location: 8q22.2.
Variant type: single nucleotide variant.
Coding change: c.8647G>T on transcript NM_152564.5 (MANE Select); coding-DNA position 8647, G replaced by T.
Protein change: p.Ala2883Ser; replaces alanine 2883 with serine.
Molecular consequence: missense variant.
Genome position (GRCh38, 1-based): chr8:99,819,437, G>T. VCF-style: chr8-99819437-G-T. GRCh37 (hg19) VCF-style: chr8-100831665-G-T.
Other names: c.8722G>T (NM_017890.3); c.8722G>T, p.Ala2908Ser (NM_017890.5); short protein forms A2883S, A2908S.
Identifiers: ClinVar variation 970834 (VCV000970834.8), dbSNP rs1260884050, ClinGen allele CA371776120.

ClinVar aggregate classification (germline): Uncertain significance. Review status: criteria provided, multiple submitters, no conflicts (2 of 4 stars). 3 submissions from 3 submitters: Uncertain significance (2). 1 of the submissions does not count toward it. Last evaluated 2025-05-26.

Conditions:
Cohen syndrome (COH1). Also called: Cutis verticis gyrata, retinitis pigmentosa, and sensorineural deafness; PEPPER SYNDROME. Identifiers: Orphanet 193, MedGen C0265223, MONDO:0008999, OMIM 216550.
Inborn genetic diseases. Identifiers: MedGen C0950123, MeSH D030342.

Allele frequency attached by ClinVar (database versions not stated): gnomAD exomes below 0.00001; gnomAD 0.00001; TOPMed 0.00001.
gnomAD v4.1: 7 of 1,613,682 alleles (0.00043%); highest among the groups gnomAD compares: Non-Finnish European, 0.00051%; no homozygotes.

Submissions (3):

Ambry Genetics
Classification: Uncertain significance for Inborn genetic diseases. Last evaluated: 2025-05-26. Review status: criteria provided, single submitter. Criteria: Ambry Variant Classification Scheme 2023. Collection method: clinical testing. Allele origin: germline.

Labcorp Genetics (formerly Invitae), Labcorp
Classification: Uncertain significance for Cohen syndrome. Last evaluated: 2022-04-15. Review status: criteria provided, single submitter. Criteria: Invitae Variant Classification Sherloc (09022015). Collection method: clinical testing. Allele origin: germline.
Comment: This sequence change replaces alanine, which is neutral and non-polar, with serine, which is neutral and polar, at codon 2908 of the VPS13B protein (p.Ala2908Ser). This variant is not present in population databases (gnomAD no frequency). This variant has not been reported in the literature in individuals affected with VPS13B-related conditions. ClinVar contains an entry for this variant (Variation ID: 970834). Algorithms developed to predict the effect of missense changes on protein structure and function are either unavailable or do not agree on the potential impact of this missense change (SIFT: "Not Available"; PolyPhen-2: "Benign"; Align-GVGD: "Not Available"). In summary, the available evidence is currently insufficient to determine the role of this variant in disease. Therefore, it has been classified as a Variant of Uncertain Significance.

Natera, Inc.
Classification: Uncertain significance for Cohen syndrome. Last evaluated: 2020-12-16. Review status: no assertion criteria provided. Collection method: clinical testing. Allele origin: germline. Not counted in ClinVar's aggregate classification.